The following is an entry in ClinVar:

ClinVar aggregate classification (germline): Uncertain significance. Review status: criteria provided, multiple submitters, no conflicts (2 of 4 stars). 2 submissions from 2 submitters: Uncertain significance (2). Last evaluated 2024-12-06.

Conditions:
Inborn genetic diseases. Identifiers: MedGen C0950123, MeSH D030342.

Allele frequency attached by ClinVar (database versions not stated): gnomAD exomes below 0.00001 and 0.00001; ExAC 0.00001; gnomAD 0.00001; TOPMed 0.00001.
gnomAD v4.1: 7 of 1,614,038 alleles (0.00043%); highest among the groups gnomAD compares: Non-Finnish European, 0.00051%; no homozygotes.

Submissions (2):

Ambry Genetics
Classification: Uncertain significance for Inborn genetic diseases. Last evaluated: 2024-12-06. Review status: criteria provided, single submitter. Criteria: Ambry Variant Classification Scheme 2023. Collection method: clinical testing. Allele origin: germline.
Comment: The p.E195A variant (also known as c.584A>C), located in coding exon 5 of the USB1 gene, results from an A to C substitution at nucleotide position 584. The glutamic acid at codon 195 is replaced by alanine, an amino acid with dissimilar properties. This amino acid position is conserved. In addition, the in silico prediction for this alteration is inconclusive. Based on the available evidence, the clinical significance of this variant remains unclear.

Labcorp Genetics (formerly Invitae), Labcorp
Classification: Uncertain significance. Last evaluated: 2024-05-08. Review status: criteria provided, single submitter. Criteria: Invitae Variant Classification Sherloc (09022015). Collection method: clinical testing. Allele origin: germline.
Comment: This sequence change replaces glutamic acid, which is acidic and polar, with alanine, which is neutral and non-polar, at codon 195 of the USB1 protein (p.Glu195Ala). This variant is present in population databases (rs754116399, gnomAD 0.002%). This variant has not been reported in the literature in individuals affected with USB1-related conditions. ClinVar contains an entry for this variant (Variation ID: 1400589). Advanced modeling of protein sequence and biophysical properties (such as structural, functional, and spatial information, amino acid conservation, physicochemical variation, residue mobility, and thermodynamic stability) performed at Invitae indicates that this missense variant is not expected to disrupt USB1 protein function with a negative predictive value of 80%. In summary, the available evidence is currently insufficient to determine the role of this variant in disease. Therefore, it has been classified as a Variant of Uncertain Significance.

NM_024598.4(USB1):c.584A>C (p.Glu195Ala)

Gene: USB1 (U6 snRNA biogenesis phosphodiesterase 1; plus strand). Cytogenetic location: 16q21.
Variant type: single nucleotide variant.
Coding change: c.584A>C on transcript NM_024598.4 (MANE Select); coding-DNA position 584, A replaced by C.
Protein change: p.Glu195Ala; replaces glutamic acid 195 with alanine.
Molecular consequence: missense variant.
Genome position (GRCh38, 1-based): chr16:58,017,414, A>C. VCF-style: chr16-58017414-A-C. GRCh37 (hg19) VCF-style: chr16-58051318-A-C.
Other names: c.584A>C (NM_024598.3); c.530A>C, p.Glu177Ala (NM_001195302.2); c.431A>C, p.Glu144Ala (NM_001330568.2); short protein forms E195A, E144A, E177A.
Identifiers: ClinVar variation 1400589 (VCV001400589.7), dbSNP rs754116399, ClinGen allele CA8084976.